The following is an entry in ClinVar:

NM_015272.5(RPGRIP1L):c.3791A>G (p.Asp1264Gly)

Gene: RPGRIP1L (RPGRIP1 like; minus strand). Cytogenetic location: 16q12.2.
Variant type: single nucleotide variant.
Coding change: c.3791A>G on transcript NM_015272.5 (MANE Select); coding-DNA position 3791, A replaced by G.
Protein change: p.Asp1264Gly; replaces aspartic acid 1264 with glycine.
Molecular consequence: missense variant.
Genome position (GRCh38, 1-based): chr16:53,605,525, T>C on the plus strand (A>G on the coding strand, the complement: RPGRIP1L is on the minus strand). VCF-style: chr16-53605525-T-C. GRCh37 (hg19) VCF-style: chr16-53639437-T-C.
Other names: c.3551A>G, p.Asp1184Gly (NM_001127897.4); c.3653A>G, p.Asp1218Gly (NM_001308334.3); c.3689A>G, p.Asp1230Gly (NM_001330538.2); short protein forms D1184G, D1218G, D1230G, D1264G.
Identifiers: ClinVar variation 2631587 (VCV002631587.1), dbSNP rs2543681800, ClinGen allele CA395921193.

ClinVar aggregate classification (germline): Uncertain significance (1 of 4 stars; one submission).

Conditions:
RPGRIP1L-related disorder. Also called: RPGRIP1L-related condition; RPGRIP1L-related disorders. Identifiers: MedGen CN239416.

Allele frequency attached by ClinVar (database versions not stated): gnomAD exomes below 0.00001.
gnomAD v4.1: 2 of 1,614,140 alleles (0.00012%); highest among the groups gnomAD compares: East Asian, 0.0022%; no homozygotes.

Submission:

PreventionGenetics, part of Exact Sciences
Classification: Uncertain significance for RPGRIP1L-related condition. Last evaluated: 2023-07-18. Review status: criteria provided, single submitter. Criteria: ACMG Guidelines, 2015. Collection method: clinical testing. Allele origin: germline.
Comment: The RPGRIP1L c.3791A>G variant is predicted to result in the amino acid substitution p.Asp1264Gly. To our knowledge, this variant has not been reported in the literature or in a large population database, indicating this variant is rare. At this time, the clinical significance of this variant is uncertain due to the absence of conclusive functional and genetic evidence.